The following is an entry in ClinVar:

NM_000052.7(ATP7A):c.412C>T (p.Gln138Ter)

Gene: ATP7A (ATPase copper transporting alpha; plus strand). Cytogenetic location: Xq21.1.
Variant type: single nucleotide variant.
Coding change: c.412C>T on transcript NM_000052.7 (MANE Select); coding-DNA position 412, C replaced by T.
Protein change: p.Gln138Ter; replaces glutamine 138 with a stop codon.
Molecular consequence: nonsense.
Genome position (GRCh38, 1-based): chrX:77,988,533, C>T. VCF-style: chrX-77988533-C-T. GRCh37 (hg19) VCF-style: chrX-77244029-C-T.
Other names: c.412C>T, p.Gln138Ter (NM_001282224.2); short protein forms Q138*.
Identifiers: ClinVar variation 1726836 (VCV001726836.4), dbSNP rs2522290057, ClinGen allele CA413599749.

ClinVar aggregate classification (germline): Pathogenic/Likely pathogenic. Review status: criteria provided, multiple submitters, no conflicts (2 of 4 stars). 2 submissions from 2 submitters: Pathogenic (1); Likely pathogenic (1). Last evaluated 2024-06-24.

Conditions:
ATP7A-related disorder. Also called: ATP7A-related condition.
Menkes kinky-hair syndrome (MNK). Also called: Copper transport disease; Classic Menkes Disease; Menkes Disease. Identifiers: Orphanet 565, MedGen C0022716, MONDO:0010651, OMIM 309400.

Submissions (2):

3billion
Classification: Pathogenic for ATP7A-related disorder. Last evaluated: 2024-06-24. Review status: criteria provided, single submitter. Criteria: ACMG Guidelines, 2015. Collection method: clinical testing. Allele origin: germline. Affected: yes.
Comment: The variant is not observed in the gnomAD v4.0.0 dataset. Predicted Consequence/Location: Stop-gained (nonsense): predicted to result in a loss or disruption of normal protein function through nonsense-mediated decay (NMD) or protein truncation. Multiple pathogenic variants are reported downstream of the variant. The variant has been reported to be associated with ATP7A related disorder (ClinVar ID: VCV001726836). Therefore, this variant is classified as Pathogenic according to the recommendation of ACMG/AMP guideline.

Myriad Genetics, Inc.
Classification: Likely pathogenic for Menkes kinky-hair syndrome. Last evaluated: 2022-01-02. Review status: criteria provided, single submitter. Criteria: Myriad Autosomal Dominant, Autosomal Recessive and X-Linked Classification Criteria (2023). Collection method: clinical testing. Allele origin: unknown.
Comment: NM_000052.5(ATP7A):c.412C>T(Q138*) is expected to be pathogenic in the context of ATP7A-related disorders. This variant is predicted to lead to an abnormal or absent protein product due to the creation of a premature termination codon in ATP7A, a gene where loss-of-function variants are known to be pathogenic. Please note: this variant was assessed in the context of healthy population screening.